The following is an entry in ClinVar:

NM_015450.3(POT1):c.1808T>C (p.Leu603Ser)

Gene: POT1 (protection of telomeres 1; minus strand). Cytogenetic location: 7q31.33.
Variant type: single nucleotide variant.
Coding change: c.1808T>C on transcript NM_015450.3 (MANE Select); coding-DNA position 1808, T replaced by C.
Protein change: p.Leu603Ser; replaces leucine 603 with serine.
Molecular consequence: missense variant. On other transcripts: non-coding transcript variant (3).
Genome position (GRCh38, 1-based): chr7:124,824,059, A>G on the plus strand (T>C on the coding strand, the complement: POT1 is on the minus strand). VCF-style: chr7-124824059-A-G. GRCh37 (hg19) VCF-style: chr7-124464113-A-G.
Other names: c.1415T>C, p.Leu472Ser (NM_001042594.2); short protein forms L472S, L603S.
Identifiers: ClinVar variation 4743401 (VCV004743401.1).

ClinVar aggregate classification (germline): Uncertain significance (1 of 4 stars; one submission).

Conditions:
Tumor predisposition syndrome 3 (TPDS3). Also called: Melanoma, cutaneous malignant, susceptibility to, 10; Glioma susceptibility 9; LONG TELOMERE SYNDROME, POT1-RELATED; POT1 Tumor Predisposition. Identifiers: Orphanet 618, MedGen C4014476, MONDO:0014368, OMIM 615848.

Submission:

Labcorp Genetics (formerly Invitae), Labcorp
Classification: Uncertain significance for Tumor predisposition syndrome 3. Last evaluated: 2025-11-19. Review status: criteria provided, single submitter. Criteria: Invitae Variant Classification Sherloc (09022015). Collection method: clinical testing. Allele origin: germline.
Comment: This sequence change replaces leucine, which is neutral and non-polar, with serine, which is neutral and polar, at codon 603 of the POT1 protein (p.Leu603Ser). This variant is not present in population databases (gnomAD no frequency). This variant has not been reported in the literature in individuals affected with POT1-related conditions. Invitae Evidence Modeling of protein sequence and biophysical properties (such as structural, functional, and spatial information, amino acid conservation, physicochemical variation, residue mobility, and thermodynamic stability) indicates that this missense variant is not expected to disrupt POT1 protein function with a negative predictive value of 80%. In summary, the available evidence is currently insufficient to determine the role of this variant in disease. Therefore, it has been classified as a Variant of Uncertain Significance.